The following is an entry in ClinVar:

NM_005476.7(GNE):c.929C>T (p.Ala310Val)

Gene: GNE (glucosamine (UDP-N-acetyl)-2-epimerase/N-acetylmannosamine kinase; minus strand). Cytogenetic location: 9p13.3.
Variant type: single nucleotide variant.
Coding change: c.929C>T on transcript NM_005476.7 (MANE Select); coding-DNA position 929, C replaced by T.
Protein change: p.Ala310Val; replaces alanine 310 with valine.
Molecular consequence: missense variant.
Genome position (GRCh38, 1-based): chr9:36,233,973, G>A on the plus strand (C>T on the coding strand, the complement: GNE is on the minus strand). VCF-style: chr9-36233973-G-A. GRCh37 (hg19) VCF-style: chr9-36233970-G-A.
Other names: c.1022C>T, p.Ala341Val (NM_001128227.3); c.929C>T, p.Ala310Val (NM_001190383.3); c.599C>T, p.Ala200Val (NM_001190384.3); c.752C>T, p.Ala251Val (NM_001190388.2, NM_001374798.1); c.776C>T, p.Ala259Val (NM_001374797.1); short protein forms A200V, A251V, A259V, A310V, A341V.
Identifiers: ClinVar variation 4854954 (VCV004854954.1).

ClinVar aggregate classification (germline): Uncertain significance (1 of 4 stars; one submission).

Conditions:
Thrombocytopenia 12 with or without myopathy (THC12). Identifiers: MedGen C5935593, MONDO:0958325, OMIM 620757.

Submission:

3billion
Classification: Uncertain significance for Thrombocytopenia 12 with or without myopathy. Last evaluated: 2026-01-21. Review status: criteria provided, single submitter. Criteria: ACMG Guidelines, 2015. Collection method: clinical testing. Allele origin: germline. Affected: yes.
Comment: The variant is not observed in the gnomAD v4.1.0 dataset. Predicted Consequence/Location: Missense variant In silico tool predictions suggest damaging effect of the variant on gene or gene product [REVEL: 0.67 (>=0.6, sensitivity 0.68 and specificity 0.92); 3Cnet: 0.86 (> 0.75, sensitivity 0.96 and precision 0.92)]. A different missense change at the same codon (p.Ala310Pro) has been reported to be associated with GNE-related disorder (PMID: 20346669). However the evidence of pathogenicity is insufficient at this time. Therefore, this variant is classified as VUS according to the recommendation of ACMG/AMP guideline.

Literature cited by the submitters: PubMed 20346669.